The following is an entry in ClinVar:

NM_001382391.1(CSPP1):c.2869A>G (p.Arg957Gly)

Gene: CSPP1 (centrosome and spindle pole associated protein 1; plus strand). Cytogenetic location: 8q13.2.
Variant type: single nucleotide variant.
Coding change: c.2869A>G on transcript NM_001382391.1 (MANE Select); coding-DNA position 2869, A replaced by G.
Protein change: p.Arg957Gly; replaces arginine 957 with glycine.
Molecular consequence: missense variant.
Genome position (GRCh38, 1-based): chr8:67,172,456, A>G. VCF-style: chr8-67172456-A-G. GRCh37 (hg19) VCF-style: chr8-68084691-A-G.
Other names: c.1819A>G, p.Arg607Gly (NM_001291339.2); c.2788A>G, p.Arg930Gly (NM_001363131.2); c.2674A>G, p.Arg892Gly (NM_001363132.2); c.2593A>G, p.Arg865Gly (NM_001363133.2); c.2935A>G, p.Arg979Gly (NM_001364869.1); c.2755A>G, p.Arg919Gly (NM_001364870.1); c.2854A>G, p.Arg952Gly (NM_024790.7); short protein forms R865G, R957G, R607G, R979G, R892G, R919G, R930G, R952G.
Identifiers: ClinVar variation 2133270 (VCV002133270.4), dbSNP rs1358946896, ClinGen allele CA371195184.
Genomic context (GRCh38, chr8:67,172,456, plus strand): 5'-GATTTGTCATTTATCTATAGGAAAAAGGAAAGGAATCCCATGGATATATTTGATATGGCT[A>G]GACATCGGTTGCAAGCTCCTGTCAGAAGACAGTCCCCTAAGGGCTTAGACGCTGCCACTT-3'
Protein context (NP_001369320.1, residues 947-967): RNPMDIFDMA[Arg957Gly]HRLQAPVRRQ

ClinVar aggregate classification (germline): Uncertain significance (1 of 4 stars; one submission).

Conditions:
Joubert syndrome 21 (JBTS21). Identifiers: MedGen C3810212, MONDO:0014288, OMIM 615636.

Allele frequency attached by ClinVar (database versions not stated): gnomAD 0.00001; gnomAD exomes 0.00001.
gnomAD v4.1: 10 of 1,613,040 alleles (0.00062%); highest among the groups gnomAD compares: African/African-American, 0.0013%; no homozygotes.

Submission:

Labcorp Genetics (formerly Invitae), Labcorp
Classification: Uncertain significance for Joubert syndrome 21. Last evaluated: 2022-08-23. Review status: criteria provided, single submitter. Criteria: Invitae Variant Classification Sherloc (09022015). Collection method: clinical testing. Allele origin: germline.
Comment: Algorithms developed to predict the effect of missense changes on protein structure and function are either unavailable or do not agree on the potential impact of this missense change (SIFT: "Deleterious"; PolyPhen-2: "Probably Damaging"; Align-GVGD: "Class C0"). This variant has not been reported in the literature in individuals affected with CSPP1-related conditions. This variant is present in population databases (no rsID available, gnomAD 0.01%). This sequence change replaces arginine, which is basic and polar, with glycine, which is neutral and non-polar, at codon 952 of the CSPP1 protein (p.Arg952Gly). In summary, the available evidence is currently insufficient to determine the role of this variant in disease. Therefore, it has been classified as a Variant of Uncertain Significance.